The following is an entry in ClinVar:

ClinVar aggregate classification (germline): Uncertain significance (1 of 4 stars; one submission).

Submission:

Labcorp Genetics (formerly Invitae), Labcorp
Classification: Uncertain significance. Last evaluated: 2022-06-17. Review status: criteria provided, single submitter. Criteria: Invitae Variant Classification Sherloc (09022015). Collection method: clinical testing. Allele origin: germline.
Comment: In summary, the available evidence is currently insufficient to determine the role of this variant in disease. Therefore, it has been classified as a Variant of Uncertain Significance. Advanced modeling of protein sequence and biophysical properties (such as structural, functional, and spatial information, amino acid conservation, physicochemical variation, residue mobility, and thermodynamic stability) performed at Invitae indicates that this missense variant is not expected to disrupt CDHR1 protein function. This variant has not been reported in the literature in individuals affected with CDHR1-related conditions. This variant is not present in population databases (gnomAD no frequency). This sequence change replaces aspartic acid, which is acidic and polar, with glycine, which is neutral and non-polar, at codon 47 of the CDHR1 protein (p.Asp47Gly).

NM_033100.4(CDHR1):c.140A>G (p.Asp47Gly)

Gene: CDHR1 (cadherin related family member 1; plus strand). Cytogenetic location: 10q23.1.
Variant type: single nucleotide variant.
Coding change: c.140A>G on transcript NM_033100.4 (MANE Select); coding-DNA position 140, A replaced by G.
Protein change: p.Asp47Gly; replaces aspartic acid 47 with glycine.
Molecular consequence: missense variant.
Genome position (GRCh38, 1-based): chr10:84,195,578, A>G. VCF-style: chr10-84195578-A-G. GRCh37 (hg19) VCF-style: chr10-85955334-A-G.
Other names: c.140A>G, p.Asp47Gly (NM_001171971.3); short protein forms D47G.
Identifiers: ClinVar variation 2007543 (VCV002007543.3), dbSNP rs1842015264, ClinGen allele CA377369362.